The following is an entry in ClinVar:

ClinVar aggregate classification (germline): Pathogenic (1 of 4 stars; one submission).

Conditions:
Congenital myotonia, autosomal dominant form (THD). Also called: THOMSEN DISEASE; Myotonia congenita autosomal dominant. Identifiers: Orphanet 614, MedGen C2936781, MONDO:0008055, OMIM 160800.
Congenital myotonia, autosomal recessive form. Also called: BECKER DISEASE; Becker Generalized Myotonia; myotonia congenita, autosomal recessive. Identifiers: Orphanet 614, MedGen C0751360, MONDO:0009715, OMIM 255700.

Submission:

Labcorp Genetics (formerly Invitae), Labcorp
Classification: Pathogenic for Congenital myotonia, autosomal recessive form; Congenital myotonia, autosomal dominant form. Last evaluated: 2026-01-09. Review status: criteria provided, single submitter. Criteria: Invitae Variant Classification Sherloc (09022015). Collection method: clinical testing. Allele origin: germline.
Comment: This sequence change creates a premature translational stop signal (p.Leu731Serfs*63) in the CLCN1 gene. It is expected to result in an absent or disrupted protein product. Loss-of-function variants in CLCN1 are known to be pathogenic (PMID: 17932099, 22094069, 23739125). This variant is not present in population databases (gnomAD no frequency). This variant has not been reported in the literature in individuals affected with CLCN1-related conditions. For these reasons, this variant has been classified as Pathogenic.

Literature cited by the submitters: PubMed 17932099; PubMed 22094069; PubMed 23739125.

NM_000083.3(CLCN1):c.2190del (p.Leu731fs)

Gene: CLCN1 (chloride voltage-gated channel 1; plus strand). Cytogenetic location: 7q34.
Variant type: Deletion.
Coding change: c.2190del on transcript NM_000083.3 (MANE Select); coding-DNA position 2190, one base deleted (T; older notation c.2190delT).
Protein change: p.Leu731fs; shifts the reading frame from leucine 731.
Molecular consequence: frameshift variant. On other transcripts: non-coding transcript variant (1).
Genome position (GRCh38, 1-based): chr7:143,346,157, T deleted. VCF-style (leftmost placement, unchanged base first): chr7-143346156-CT-C. GRCh37 (hg19) VCF-style: chr7-143043249-CT-C.
Other names: short protein forms L731fs.
Identifiers: ClinVar variation 4787222 (VCV004787222.1).